The following is an entry in ClinVar:

ClinVar aggregate classification (germline): Uncertain significance (1 of 4 stars; one submission).

Conditions:
Cataract 13 with adult I phenotype. Identifiers: Orphanet 91492, MedGen C3805373, MONDO:0007289, OMIM 116700.

Submission:

Labcorp Genetics (formerly Invitae), Labcorp
Classification: Uncertain significance for Cataract 13 with adult I phenotype. Last evaluated: 2017-06-27. Review status: criteria provided, single submitter. Criteria: Invitae Variant Classification Sherloc (09022015). Collection method: clinical testing. Allele origin: germline.
Comment: This sequence change replaces lysine with threonine at codon 365 of the GCNT2 protein (p.Lys365Thr). The lysine residue is moderately conserved and there is a moderate physicochemical difference between lysine and threonine. This variant is not present in population databases (ExAC no frequency). This variant has not been reported in the literature in individuals with a GCNT2-related disease. Algorithms developed to predict the effect of missense changes on protein structure and function do not agree on the potential impact of this missense change (SIFT: "Deleterious"; PolyPhen-2: "Probably Damaging"; Align-GVGD: "Class C0"). In summary, this variant has uncertain impact on GCNT2 function. The available evidence is currently insufficient to determine its role in disease. Therefore, it has been classified as a Variant of Uncertain Significance.

NM_145649.5(GCNT2):c.1100A>C (p.Lys367Thr)

Gene: GCNT2 (glucosaminyl (N-acetyl) transferase 2 (I blood group); plus strand). Cytogenetic location: 6p24.2.
Variant type: single nucleotide variant.
Coding change: c.1100A>C on transcript NM_145649.5 (MANE Select); coding-DNA position 1100, A replaced by C.
Protein change: p.Lys367Thr; replaces lysine 367 with threonine.
Molecular consequence: missense variant.
Genome position (GRCh38, 1-based): chr6:10,626,498, A>C. VCF-style: chr6-10626498-A-C. GRCh37 (hg19) VCF-style: chr6-10626731-A-C.
Other names: c.1100A>C, p.Lys367Thr (NM_001374747.1, NM_145655.4); c.1094A>C, p.Lys365Thr (NM_001491.3); short protein forms K365T, K367T.
Identifiers: ClinVar variation 474041 (VCV000474041.1), dbSNP rs1554139314, ClinGen allele CA362710793.